The following is an entry in ClinVar:

NM_000455.5(STK11):c.821T>C (p.Ile274Thr)

Gene: STK11 (serine/threonine kinase 11; plus strand). Cytogenetic location: 19p13.3.
Variant type: single nucleotide variant.
Coding change: c.821T>C on transcript NM_000455.5 (MANE Select); coding-DNA position 821, T replaced by C.
Protein change: p.Ile274Thr; replaces isoleucine 274 with threonine.
Molecular consequence: missense variant. On other transcripts: non-coding transcript variant (1).
Genome position (GRCh38, 1-based): chr19:1,221,299, T>C. VCF-style: chr19-1221299-T-C. GRCh37 (hg19) VCF-style: chr19-1221298-T-C.
Other names: c.821T>C, p.Ile274Thr (NM_001407255.1); short protein forms I274T.
Identifiers: ClinVar variation 4176617 (VCV004176617.1).
Genomic context (GRCh38, chr19:1,221,299, plus strand): 5'-CCTTCGAAGGGGACAACATCTACAAGTTGTTTGAGAACATCGGGAAGGGGAGCTACGCCA[T>C]CCCGGGCGACTGTGGCCCCCCGCTCTCTGACCTGCTGAAAGGTGGGAGCCTCATCCCTCT-3'
Protein context (NP_000446.1, residues 264-284): FENIGKGSYA[Ile274Thr]PGDCGPPLSD

ClinVar aggregate classification (germline): Uncertain significance (1 of 4 stars; one submission).

Conditions:
Hereditary cancer-predisposing syndrome. Also called: Neoplastic Syndromes, Hereditary; Tumor predisposition; Hereditary Cancer Syndrome; Hereditary neoplastic syndrome. Identifiers: Orphanet 140162, MedGen C0027672, MeSH D009386, MONDO:0015356.

Submission:

Ambry Genetics
Classification: Uncertain significance for Hereditary cancer-predisposing syndrome. Last evaluated: 2025-08-02. Review status: criteria provided, single submitter. Criteria: Ambry Variant Classification Scheme 2023. Collection method: clinical testing. Allele origin: germline.
Comment: The p.I274T variant (also known as c.821T>C), located in coding exon 6 of the STK11 gene, results from a T to C substitution at nucleotide position 821. The isoleucine at codon 274 is replaced by threonine, an amino acid with similar properties. This amino acid position is conserved. In addition, the in silico prediction for this alteration is inconclusive. Based on the available evidence, the clinical significance of this variant remains unclear.